The following is an entry in ClinVar:

ClinVar aggregate classification (germline): Uncertain significance. Review status: criteria provided, multiple submitters, no conflicts (2 of 4 stars). 2 submissions from 2 submitters: Uncertain significance (2). Last evaluated 2025-06-22.

Conditions:
Cardiovascular phenotype. Identifiers: MedGen CN230736.
Hypertrophic cardiomyopathy. Also called: HYPERTROPHIC MYOCARDIOPATHY. Identifiers: Orphanet 217569, MedGen C0007194, MeSH D002312, MONDO:0005045, HP:0001639.

Allele frequency attached by ClinVar (database versions not stated): gnomAD 0.00001; gnomAD exomes 0.00001; TOPMed 0.00001.
gnomAD v4.1: 15 of 1,613,936 alleles (0.00093%); highest among the groups gnomAD compares: Non-Finnish European, 0.0012%; no homozygotes.

Submissions (2):

Ambry Genetics
Classification: Uncertain significance for Cardiovascular phenotype. Last evaluated: 2025-06-22. Review status: criteria provided, single submitter. Criteria: Ambry Variant Classification Scheme 2023. Collection method: clinical testing. Allele origin: germline.

Labcorp Genetics (formerly Invitae), Labcorp
Classification: Uncertain significance for Hypertrophic cardiomyopathy. Last evaluated: 2023-07-17. Review status: criteria provided, single submitter. Criteria: Invitae Variant Classification Sherloc (09022015). Collection method: clinical testing. Allele origin: germline.
Comment: In summary, the available evidence is currently insufficient to determine the role of this variant in disease. Therefore, it has been classified as a Variant of Uncertain Significance. An algorithm developed to predict the effect of missense changes on protein structure and function (PolyPhen-2) suggests that this variant is likely to be disruptive. This variant has not been reported in the literature in individuals affected with JPH2-related conditions. This variant is present in population databases (no rsID available, gnomAD 0.0009%). This sequence change replaces glycine, which is neutral and non-polar, with aspartic acid, which is acidic and polar, at codon 89 of the JPH2 protein (p.Gly89Asp).

NM_020433.5(JPH2):c.266G>A (p.Gly89Asp)

Gene: JPH2 (junctophilin 2; minus strand). Cytogenetic location: 20q13.12.
Variant type: single nucleotide variant.
Coding change: c.266G>A on transcript NM_020433.5 (MANE Select); coding-DNA position 266, G replaced by A.
Protein change: p.Gly89Asp; replaces glycine 89 with aspartic acid.
Molecular consequence: missense variant.
Genome position (GRCh38, 1-based): chr20:44,186,440, C>T on the plus strand (G>A on the coding strand, the complement: JPH2 is on the minus strand). VCF-style: chr20-44186440-C-T. GRCh37 (hg19) VCF-style: chr20-42815080-C-T.
Other names: c.266G>A, p.Gly89Asp (NM_175913.4); short protein forms G89D.
Identifiers: ClinVar variation 2543796 (VCV002543796.6), dbSNP rs1017359711, ClinGen allele CA315352177.
Genomic context (GRCh38, chr20:44,186,440, plus strand): 5'-GTGCCCTCATACTTGGCACCGCTGCTTGAGCTCTGCCGGATTCCGTAGCGTCCCTTGAAG[C>T]CATGTGTCCACTCGCCCTTGTAGAGCCAGCGCCCCTTGGTCTCTATGCCCAGCCCATGCC-3'
Protein context (NP_065166.2, residues 79-99): RWLYKGEWTH[Gly89Asp]FKGRYGIRQS